The following is an entry in ClinVar:

NM_001197104.2(KMT2A):c.7773T>A (p.Tyr2591Ter)

Gene: KMT2A (lysine methyltransferase 2A; plus strand). Cytogenetic location: 11q23.3.
Variant type: single nucleotide variant.
Coding change: c.7773T>A on transcript NM_001197104.2 (MANE Select); coding-DNA position 7773, T replaced by A.
Protein change: p.Tyr2591Ter; replaces tyrosine 2591 with a stop codon.
Molecular consequence: nonsense.
Genome position (GRCh38, 1-based): chr11:118,503,665, T>A. VCF-style: chr11-118503665-T-A. GRCh37 (hg19) VCF-style: chr11-118374380-T-A.
Other names: c.7863T>A, p.Tyr2621Ter (NM_001412597.1); c.7764T>A, p.Tyr2588Ter (NM_005933.4); short protein forms Y2588*, Y2591*, Y2621*.
Identifiers: ClinVar variation 2112535 (VCV002112535.4), dbSNP rs2497002801, ClinGen allele CA382807073.
Genomic context (GRCh38, chr11:118,503,665, plus strand): 5'-TCCAGTGGCCCAACCAAGCCCCAATAATACCTCATGCCAGGATTCTCAAAGTAACAACTA[T>A]CAGAATCTTCCAGTACAGGACAGAAACCTAATGCTTCCAGATGGCCCCAAACCTCAGGAG-3'

ClinVar aggregate classification (germline): Pathogenic (1 of 4 stars; one submission).

Submission:

Labcorp Genetics (formerly Invitae), Labcorp
Classification: Pathogenic. Last evaluated: 2022-03-15. Review status: criteria provided, single submitter. Criteria: Invitae Variant Classification Sherloc (09022015). Collection method: clinical testing. Allele origin: germline.
Comment: This variant has not been reported in the literature in individuals affected with KMT2A-related conditions. For these reasons, this variant has been classified as Pathogenic. This variant is not present in population databases (gnomAD no frequency). This sequence change creates a premature translational stop signal (p.Tyr2591*) in the KMT2A gene. It is expected to result in an absent or disrupted protein product. Loss-of-function variants in KMT2A are known to be pathogenic (PMID: 22795537, 25574841, 25810209, 28120103, 29574747, 31157197, 31337854).

Literature cited by the submitters: PubMed 22795537; PubMed 25574841; PubMed 25810209; PubMed 28120103; PubMed 29574747; PubMed 31157197; PubMed 31337854.